The following is an entry in ClinVar:

ClinVar aggregate classification (germline): Uncertain significance (1 of 4 stars; one submission).

Conditions:
DICER1-related tumor predisposition. Also called: DICER1-related pleuropulmonary blastoma cancer predisposition syndrome; DICER1 syndrome. Identifiers: Orphanet 284343, MedGen C3839822, MONDO:0100216.

Submission:

Labcorp Genetics (formerly Invitae), Labcorp
Classification: Uncertain significance for DICER1-related tumor predisposition. Last evaluated: 2024-03-10. Review status: criteria provided, single submitter. Criteria: Invitae Variant Classification Sherloc (09022015). Collection method: clinical testing. Allele origin: germline.
Comment: This sequence change replaces valine, which is neutral and non-polar, with alanine, which is neutral and non-polar, at codon 1885 of the DICER1 protein (p.Val1885Ala). This variant is not present in population databases (gnomAD no frequency). This variant has not been reported in the literature in individuals affected with DICER1-related conditions. ClinVar contains an entry for this variant (Variation ID: 1943396). An algorithm developed to predict the effect of missense changes on protein structure and function (PolyPhen-2) suggests that this variant is likely to be tolerated. In summary, the available evidence is currently insufficient to determine the role of this variant in disease. Therefore, it has been classified as a Variant of Uncertain Significance.

NM_177438.3(DICER1):c.5654T>C (p.Val1885Ala)

Gene: DICER1 (dicer 1, ribonuclease III; minus strand). Cytogenetic location: 14q32.13.
Variant type: single nucleotide variant.
Coding change: c.5654T>C on transcript NM_177438.3 (MANE Select); coding-DNA position 5654, T replaced by C.
Protein change: p.Val1885Ala; replaces valine 1885 with alanine.
Molecular consequence: missense variant. On other transcripts: 3 prime UTR variant (1), non-coding transcript variant (6).
Genome position (GRCh38, 1-based): chr14:95,090,613, A>G on the plus strand (T>C on the coding strand, the complement: DICER1 is on the minus strand). VCF-style: chr14-95090613-A-G. GRCh37 (hg19) VCF-style: chr14-95556950-A-G.
Other names: c.*1T>C (NM_001195573.1); c.5654T>C, p.Val1885Ala (NM_001271282.3, NM_001291628.2, NM_001395677.1 and 8 more transcripts); c.5372T>C, p.Val1791Ala (NM_001395686.1); c.5249T>C, p.Val1750Ala (NM_001395687.1, NM_001395688.1, NM_001395689.1 and 1 more transcripts); c.5087T>C, p.Val1696Ala (NM_001395691.1); c.3971T>C, p.Val1324Ala (NM_001395697.1); short protein forms V1324A, V1885A, V1696A, V1750A, V1791A.
Identifiers: ClinVar variation 1943396 (VCV001943396.5), dbSNP rs2542391431, ClinGen allele CA390863456.